The following is an entry in ClinVar:

ClinVar aggregate classification (germline): Conflicting classifications of pathogenicity. Review status: criteria provided, conflicting classifications (1 of 4 stars). 4 submissions from 4 submitters: Uncertain significance (3); Likely benign (1). Last evaluated 2025-09-01.

Conditions:
Emery-Dreifuss muscular dystrophy 5, autosomal dominant (EDMD5). Also called: EMERY-DREIFUSS MUSCULAR DYSTROPHY 5. Identifiers: Orphanet 261, MedGen C2751805, MONDO:0013072, OMIM 612999.

Allele frequency attached by ClinVar (database versions not stated): gnomAD 0.00001; ExAC 0.00002; gnomAD exomes 0.00002; TOPMed 0.00003.
gnomAD v4.1: 23 of 1,613,924 alleles (0.0014%); highest among the groups gnomAD compares: East Asian, 0.0067%; no homozygotes.

Submissions (4):

Ambry Genetics
Classification: Uncertain significance. Last evaluated: 2025-09-01. Review status: criteria provided, single submitter. Criteria: Ambry Variant Classification Scheme 2023. Collection method: clinical testing. Allele origin: germline.

CeGaT Center for Human Genetics Tuebingen
Classification: Likely benign. Last evaluated: 2025-07-01. Review status: criteria provided, single submitter. Criteria: CeGaT Center For Human Genetics Tuebingen Variant Classification Criteria Version 2. Collection method: clinical testing. Allele origin: germline. Affected: yes. Observed: 1 variant allele.
Comment: SYNE2: BP4

Labcorp Genetics (formerly Invitae), Labcorp
Classification: Uncertain significance for Emery-Dreifuss muscular dystrophy 5, autosomal dominant. Last evaluated: 2025-06-09. Review status: criteria provided, single submitter. Criteria: Invitae Variant Classification Sherloc (09022015). Collection method: clinical testing. Allele origin: germline.
Comment: This sequence change replaces alanine, which is neutral and non-polar, with glycine, which is neutral and non-polar, at codon 3277 of the SYNE2 protein (p.Ala3277Gly). This variant is present in population databases (rs758226884, gnomAD 0.006%). This variant has not been reported in the literature in individuals affected with SYNE2-related conditions. ClinVar contains an entry for this variant (Variation ID: 197614). An algorithm developed to predict the effect of missense changes on protein structure and function (PolyPhen-2) suggests that this variant is likely to be disruptive. In summary, the available evidence is currently insufficient to determine the role of this variant in disease. Therefore, it has been classified as a Variant of Uncertain Significance.

Eurofins Ntd Llc (ga)
Classification: Uncertain significance. Last evaluated: 2015-04-01. Review status: criteria provided, single submitter. Criteria: EGL Classification Definitions 2015. Collection method: clinical testing. Allele origin: germline. Observed: 1 variant allele, 1 heterozygote.

NM_182914.3(SYNE2):c.9830C>G (p.Ala3277Gly)

Gene: SYNE2 (spectrin repeat containing nuclear envelope protein 2; plus strand). Cytogenetic location: 14q23.2.
Variant type: single nucleotide variant.
Coding change: c.9830C>G on transcript NM_182914.3 (MANE Select); coding-DNA position 9830, C replaced by G.
Protein change: p.Ala3277Gly; replaces alanine 3277 with glycine.
Molecular consequence: missense variant.
Genome position (GRCh38, 1-based): chr14:64,056,029, C>G. VCF-style: chr14-64056029-C-G. GRCh37 (hg19) VCF-style: chr14-64522747-C-G.
Other names: c.9830C>G, p.Ala3277Gly (NM_015180.6); c.9830C>G (NM_182914.2); short protein forms A3277G.
Identifiers: ClinVar variation 197614 (VCV000197614.21), dbSNP rs758226884, ClinGen allele CA245874.